The following is an entry in ClinVar:

NM_002949.4(MRPL12):c.81G>C (p.Gln27His)

Gene: MRPL12 (mitochondrial ribosomal protein L12; plus strand). Cytogenetic location: 17q25.3.
Variant type: single nucleotide variant.
Coding change: c.81G>C on transcript NM_002949.4 (MANE Select); coding-DNA position 81, G replaced by C.
Protein change: p.Gln27His; replaces glutamine 27 with histidine.
Molecular consequence: missense variant.
Genome position (GRCh38, 1-based): chr17:81,704,250, G>C. VCF-style: chr17-81704250-G-C. GRCh37 (hg19) VCF-style: chr17-79671280-G-C.
Other names: short protein forms Q27H.
Identifiers: ClinVar variation 1997264 (VCV001997264.4), dbSNP rs2509858840, ClinGen allele CA401508381.

ClinVar aggregate classification (germline): Uncertain significance (1 of 4 stars; one submission).

Submission:

Labcorp Genetics (formerly Invitae), Labcorp
Classification: Uncertain significance. Last evaluated: 2022-05-21. Review status: criteria provided, single submitter. Criteria: Invitae Variant Classification Sherloc (09022015). Collection method: clinical testing. Allele origin: germline.
Comment: In summary, the available evidence is currently insufficient to determine the role of this variant in disease. Therefore, it has been classified as a Variant of Uncertain Significance. Algorithms developed to predict the effect of sequence changes on RNA splicing suggest that this variant may disrupt the consensus splice site. Algorithms developed to predict the effect of missense changes on protein structure and function are either unavailable or do not agree on the potential impact of this missense change (SIFT: "Tolerated"; PolyPhen-2: "Possibly Damaging"; Align-GVGD: "Class C0"). This variant has not been reported in the literature in individuals affected with MRPL12-related conditions. This variant is not present in population databases (gnomAD no frequency). This sequence change replaces glutamine, which is neutral and polar, with histidine, which is basic and polar, at codon 27 of the MRPL12 protein (p.Gln27His).